The following is an entry in ClinVar:

NM_130837.3(OPA1):c.1754+2T>G

Gene: OPA1 (OPA1 mitochondrial dynamin like GTPase; plus strand). Cytogenetic location: 3q29.
Variant type: single nucleotide variant.
Coding change: c.1754+2T>G on transcript NM_130837.3 (MANE Select); the canonical splice donor site of the intron after coding-DNA position 1754, T replaced by G.
Molecular consequence: splice donor variant.
Genome position (GRCh38, 1-based): chr3:193,645,802, T>G. VCF-style: chr3-193645802-T-G. GRCh37 (hg19) VCF-style: chr3-193363591-T-G.
Other names: c.1217+2T>G (NM_001354664.2); c.1220+2T>G (NM_001354663.2); c.1643+2T>G (NM_130834.3); c.1700+2T>G (NM_130836.3); c.1589+2T>G (NM_015560.3); c.1646+2T>G (NM_130835.3); c.1535+2T>G (NM_130832.3); c.1592+2T>G (NM_130833.3); and 1 more.
Identifiers: ClinVar variation 3026526 (VCV003026526.22), dbSNP rs2474904757, ClinGen allele CA355790337.

ClinVar aggregate classification (germline): Pathogenic (1 of 4 stars; one submission).

Submission:

CeGaT Center for Human Genetics Tuebingen
Classification: Pathogenic. Last evaluated: 2024-08-01. Review status: criteria provided, single submitter. Criteria: CeGaT Center For Human Genetics Tuebingen Variant Classification Criteria Version 2. Collection method: clinical testing. Allele origin: germline. Affected: yes. Observed: 2 variant alleles.
Comment: OPA1: PVS1, PM2